The following is an entry in ClinVar:

NM_001130823.3(DNMT1):c.1750G>A (p.Gly584Arg)

Gene: DNMT1 (DNA methyltransferase 1; minus strand). Cytogenetic location: 19p13.2.
Variant type: single nucleotide variant.
Coding change: c.1750G>A on transcript NM_001130823.3 (MANE Select); coding-DNA position 1750, G replaced by A.
Protein change: p.Gly584Arg; replaces glycine 584 with arginine.
Molecular consequence: missense variant.
Genome position (GRCh38, 1-based): chr19:10,154,668, C>T on the plus strand (G>A on the coding strand, the complement: DNMT1 is on the minus strand). VCF-style: chr19-10154668-C-T. GRCh37 (hg19) VCF-style: chr19-10265344-C-T.
Other names: c.1702G>A, p.Gly568Arg (NM_001318730.2, NM_001379.4); c.1387G>A, p.Gly463Arg (NM_001318731.2); short protein forms G463R, G568R, G584R.
Identifiers: ClinVar variation 846310 (VCV000846310.9), dbSNP rs1227919940, ClinGen allele CA403934779.

ClinVar aggregate classification (germline): Uncertain significance (1 of 4 stars; one submission).

Conditions:
Hereditary sensory neuropathy-deafness-dementia syndrome. Also called: NEUROPATHY, HEREDITARY SENSORY, WITH HEARING LOSS AND DEMENTIA; Hereditary sensory neuropathy type IE; HSN IE; Hereditary Sensory and Autonomic Neuropathy Type 1E (HSAN1E). Identifiers: Orphanet 456318, MedGen C3279885, MONDO:0013584, OMIM 614116.

Allele frequency attached by ClinVar (database versions not stated): gnomAD exomes below 0.00001; TOPMed below 0.00001; gnomAD 0.00001.
gnomAD v4.1: 3 of 1,614,114 alleles (0.00019%); highest among the groups gnomAD compares: South Asian, 0.0011%; no homozygotes.

Submission:

Labcorp Genetics (formerly Invitae), Labcorp
Classification: Uncertain significance for Hereditary sensory neuropathy-deafness-dementia syndrome. Last evaluated: 2019-04-04. Review status: criteria provided, single submitter. Criteria: Invitae Variant Classification Sherloc (09022015). Collection method: clinical testing. Allele origin: germline.
Comment: In summary, the available evidence is currently insufficient to determine the role of this variant in disease. Therefore, it has been classified as a Variant of Uncertain Significance. Algorithms developed to predict the effect of missense changes on protein structure and function (SIFT, PolyPhen-2, Align-GVGD) all suggest that this variant is likely to be tolerated, but these predictions have not been confirmed by published functional studies and their clinical significance is uncertain. This variant has not been reported in the literature in individuals with DNMT1-related conditions. This variant is not present in population databases (ExAC no frequency). This sequence change replaces glycine with arginine at codon 584 of the DNMT1 protein (p.Gly584Arg). The glycine residue is moderately conserved and there is a moderate physicochemical difference between glycine and arginine.